The following is an entry in ClinVar:

ClinVar aggregate classification (germline): Uncertain significance (1 of 4 stars; one submission).

Conditions:
Cardiovascular phenotype. Identifiers: MedGen CN230736.

gnomAD v4.1: 3 of 1,614,070 alleles (0.00019%); highest among the groups gnomAD compares: Non-Finnish European, 0.00025%; no homozygotes.

Submission:

Ambry Genetics
Classification: Uncertain significance for Cardiovascular phenotype. Last evaluated: 2026-04-27. Review status: criteria provided, single submitter. Criteria: Ambry Variant Classification Scheme 2023. Collection method: clinical testing. Allele origin: germline.
Comment: The p.K1287R variant (also known as c.3860A>G), located in coding exon 51 of the COL1A2 gene, results from an A to G substitution at nucleotide position 3860. The lysine at codon 1287 is replaced by arginine, an amino acid with highly similar properties. This amino acid position is conserved. In addition, this alteration is predicted to be tolerated by in silico analysis. Based on the available evidence, the clinical significance of this variant remains unclear.

NM_000089.4(COL1A2):c.3860A>G (p.Lys1287Arg)

Gene: COL1A2 (collagen type I alpha 2 chain; plus strand). Cytogenetic location: 7q21.3.
Variant type: single nucleotide variant.
Coding change: c.3860A>G on transcript NM_000089.4 (MANE Select); coding-DNA position 3860, A replaced by G.
Protein change: p.Lys1287Arg; replaces lysine 1287 with arginine.
Molecular consequence: missense variant.
Genome position (GRCh38, 1-based): chr7:94,429,336, A>G. VCF-style: chr7-94429336-A-G. GRCh37 (hg19) VCF-style: chr7-94058648-A-G.
Other names: short protein forms K1287R.
Identifiers: ClinVar variation 4869124 (VCV004869124.1).
Genomic context (GRCh38, chr7:94,429,336, plus strand): 5'-ACATCACCTACCACTGCAAGAACAGCATTGCATACATGGATGAGGAGACTGGCAACCTGA[A>G]AAAGGCTGTCATTCTACAGGGCTCTAATGATGTTGAACTTGTTGCTGAGGGCAACAGCAG-3'
Protein context (NP_000080.2, residues 1277-1297): AYMDEETGNL[Lys1287Arg]KAVILQGSND